The following is an entry in ClinVar:

NM_024298.5(MBOAT7):c.1132C>T (p.Arg378Trp)

Gene: MBOAT7 (membrane bound acylglycerophosphatidylinositol O-acyltransferase MBOAT7; minus strand). Cytogenetic location: 19q13.42.
Variant type: single nucleotide variant.
Coding change: c.1132C>T on transcript NM_024298.5 (MANE Select); coding-DNA position 1132, C replaced by T.
Protein change: p.Arg378Trp; replaces arginine 378 with tryptophan.
Molecular consequence: missense variant.
Genome position (GRCh38, 1-based): chr19:54,174,331, G>A on the plus strand (C>T on the coding strand, the complement: MBOAT7 is on the minus strand). VCF-style: chr19-54174331-G-A. GRCh37 (hg19) VCF-style: chr19-54678025-G-A.
Other names: c.913C>T, p.Arg305Trp (NM_001146056.3, NM_001146083.3); c.1132C>T (NM_024298.4); short protein forms R305W, R378W.
Identifiers: ClinVar variation 3233805 (VCV003233805.3), dbSNP rs144021940, ClinGen allele CA309345275.
Genomic context (GRCh38, chr19:54,174,331, plus strand): 5'-CCCAGTCCCAGGCCTTCTGGCCCCCTGGGCTCAGCCGCCCCCGCAGGGCTGACTCCAGCC[G>A]GCCCTCGGCAGCCAGGCACAGCGGGATGGTCAGGAAGCTCAGGTAGTAGCCCGGGTGGAG-3'
Protein context (NP_077274.3, residues 368-388): TIPLCLAAEG[Arg378Trp]LESALRGRLS

ClinVar aggregate classification (germline): Uncertain significance. Review status: criteria provided, multiple submitters, no conflicts (2 of 4 stars). 2 submissions from 2 submitters: Uncertain significance (2). Last evaluated 2024-10-24.

Allele frequency attached by ClinVar (database versions not stated): ESP Exome Variant Server 0.00046; 1000 Genomes Project 30x 0.00078; 1000 Genomes Project 0.00080.
gnomAD v4.1: 183 of 1,613,050 alleles (0.011%); highest among the groups gnomAD compares: African/African-American, 0.15%; no homozygotes.

Submissions (2):

GeneDx
Classification: Uncertain significance. Last evaluated: 2024-10-24. Review status: criteria provided, single submitter. Criteria: GeneDx Variant Classification Process June 2021. Collection method: clinical testing. Allele origin: germline. Affected: yes.
Comment: In silico analysis indicates that this missense variant does not alter protein structure/function; Has not been previously published as pathogenic or benign to our knowledge

Women's Health and Genetics/Laboratory Corporation of America, LabCorp
Classification: Uncertain significance. Last evaluated: 2024-03-22. Review status: criteria provided, single submitter. Criteria: LabCorp Variant Classification Summary - May 2015. Collection method: clinical testing. Allele origin: germline.
Comment: Variant summary: MBOAT7 c.1132C>T (p.Arg378Trp) results in a non-conservative amino acid change in the encoded protein sequence. Three of five in-silico tools predict a benign effect of the variant on protein function. The variant allele was found at a frequency of 0.00015 in 249182 control chromosomes. To our knowledge, no occurrence of c.1132C>T in individuals affected with Mental Retardation, Autosomal Recessive 57 and no experimental evidence demonstrating its impact on protein function have been reported. No submitters have cited clinical-significance assessments for this variant to ClinVar. Based on the evidence outlined above, the variant was classified as uncertain significance.